The following is an entry in ClinVar:

ClinVar aggregate classification (germline): Conflicting classifications of pathogenicity. Review status: criteria provided, conflicting classifications (1 of 4 stars). 3 submissions from 3 submitters: Likely pathogenic (1); Uncertain significance (2). Last evaluated 2022-04-11.

Conditions:
Hypertrophic cardiomyopathy 10. Also called: MYL2-Related Familial Hypertrophic Cardiomyopathy; CARDIOMYOPATHY, HYPERTROPHIC, MID-LEFT VENTRICULAR CHAMBER TYPE, 2. Identifiers: MedGen C1834460, MONDO:0012112, OMIM 608758.

Submissions (3):

Labcorp Genetics (formerly Invitae), Labcorp
Classification: Uncertain significance for Hypertrophic cardiomyopathy 10. Last evaluated: 2022-04-11. Review status: criteria provided, single submitter. Criteria: Invitae Variant Classification Sherloc (09022015). Collection method: clinical testing. Allele origin: germline.
Comment: This sequence change replaces glutamic acid, which is acidic and polar, with glycine, which is neutral and non-polar, at codon 163 of the MYL2 protein (p.Glu163Gly). In summary, the available evidence is currently insufficient to determine the role of this variant in disease. Therefore, it has been classified as a Variant of Uncertain Significance. This variant disrupts the p.Glu163 amino acid residue in MYL2. Other variant(s) that disrupt this residue have been determined to be pathogenic (PMID: 24793961; Invitae). This suggests that this residue is clinically significant, and that variants that disrupt this residue are likely to be disease-causing. Algorithms developed to predict the effect of missense changes on protein structure and function are either unavailable or do not agree on the potential impact of this missense change (SIFT: "Deleterious"; PolyPhen-2: "Possibly Damaging"; Align-GVGD: "Class C0"). ClinVar contains an entry for this variant (Variation ID: 181421). This variant has not been reported in the literature in individuals affected with MYL2-related conditions. This variant is not present in population databases (gnomAD no frequency).

GeneDx
Classification: Likely pathogenic. Last evaluated: 2013-08-27. Review status: criteria provided, single submitter. Criteria: GeneDx Variant Classification (06012015). Collection method: clinical testing. Allele origin: germline. Affected: yes.
Comment: This variant is denoted p.Glu163Gly (GAA>GGA): c.488 A>G in exon 7 of the MYL2 gene (NM_000432.3). The Glu163Gly variant in the MYL2 gene has not been reported as a disease-causing mutation or as a benign polymorphism to our knowledge. Glu163Gly results in a non-conservative amino acid substitution of a negatively charged Glutamic acid with a non-polar Glycine at a position that is conserved across species. In silico analysis predicts Glu163Gly is damaging to the protein structure/function. Mutations in nearby residues (Gly162Arg, Asp166Val) have been reported in association with HCM, further supporting the functional importance of this region of the protein. Furthermore, the Glu163Gly variant was not observed in approximately 6,500 individuals of European and African American ancestry in the NHLBI Exome Sequencing Project, indicating it is not a common benign variant in these populations. In summary, while Glu163Gly is a good candidate for a disease-causing mutation, with the clinical and molecular information available at this time we cannot unequivocally determine the clinical significance of this variant. The variant is found in HCM panel(s).

Stanford Center for Inherited Cardiovascular Disease, Stanford University
Classification: Uncertain significance. Last evaluated: 2013-04-09. Review status: criteria provided, single submitter. Criteria: ACMG Guidelines, 2015. Collection method: provider interpretation. Allele origin: germline.

Literature cited by the submitters: PubMed 24793961 (cited by Labcorp Genetics (formerly Invitae), Labcorp).

NM_000432.4(MYL2):c.488A>G (p.Glu163Gly)

Gene: MYL2 (myosin light chain 2; minus strand). Cytogenetic location: 12q24.11.
Variant type: single nucleotide variant.
Coding change: c.488A>G on transcript NM_000432.4 (MANE Select); coding-DNA position 488, A replaced by G.
Protein change: p.Glu163Gly; replaces glutamic acid 163 with glycine.
Molecular consequence: missense variant.
Genome position (GRCh38, 1-based): chr12:110,911,090, T>C on the plus strand (A>G on the coding strand, the complement: MYL2 is on the minus strand). VCF-style: chr12-110911090-T-C. GRCh37 (hg19) VCF-style: chr12-111348894-T-C.
Other names: p.E163G:GAA>GGA; short protein forms E163G.
Identifiers: ClinVar variation 181421 (VCV000181421.8), dbSNP rs397516407, ClinGen allele CA010454.